The following is an entry in ClinVar:

ClinVar aggregate classification (germline): Uncertain significance (1 of 4 stars; one submission).

Conditions:
Familial intrahepatic cholestasis. Identifiers: Orphanet 284385, MedGen CN296401, MONDO:0017290.

Submission:

Genomenon, Inc
Classification: Uncertain significance for Familial intrahepatic cholestasis. Last evaluated: 2026-04-14. Review status: criteria provided, single submitter. Criteria: Genomenon Sequence Variant Interpretation Standards - Updated. Collection method: curation. Allele origin: germline. Affected: yes.
Comment: ABCB4 p.Trp164Gly (c.490T>G) is a missense variant that changes the amino acid at residue 164 from Tryptophan to Glycine. This variant has been observed in at least one proband with an ABCB4-related disorder (PMID:25179380;22669981). It is absent or not present at a significant frequency in gnomAD. In silico models predict that this variant is possibly or probably damaging. In conclusion, we classify ABCB4 p.Trp164Gly (c.490T>G) as a variant of uncertain significance.

Literature cited by the submitters: PubMed 25179380; PubMed 22669981.

NM_000443.4(ABCB4):c.490T>G (p.Trp164Gly)

Gene: ABCB4 (ATP binding cassette subfamily B member 4; minus strand). Cytogenetic location: 7q21.12.
Variant type: single nucleotide variant.
Coding change: c.490T>G on transcript NM_000443.4 (MANE Select); coding-DNA position 490, T replaced by G.
Protein change: p.Trp164Gly; replaces tryptophan 164 with glycine.
Molecular consequence: missense variant.
Genome position (GRCh38, 1-based): chr7:87,452,990, A>C on the plus strand (T>G on the coding strand, the complement: ABCB4 is on the minus strand). VCF-style: chr7-87452990-A-C. GRCh37 (hg19) VCF-style: chr7-87082306-A-C.
Other names: c.490T>G, p.Trp164Gly (NM_018849.3, NM_018850.3); short protein forms W164G.
Identifiers: ClinVar variation 4846668 (VCV004846668.1).